The following is an entry in ClinVar:

NM_000257.4(MYH7):c.2296A>C (p.Lys766Gln)

Genes: MYH7 (myosin heavy chain 7; minus strand), LOC126861898 (BRD4-independent group 4 enhancer GRCh37_chr14:23893609-23894808; plus strand). Cytogenetic location: 14q11.2.
Variant type: single nucleotide variant.
Coding change: c.2296A>C on transcript NM_000257.4 (MANE Select); coding-DNA position 2296, A replaced by C.
Protein change: p.Lys766Gln; replaces lysine 766 with glutamine.
Molecular consequence: missense variant.
Genome position (GRCh38, 1-based): chr14:23,425,409, T>G on the plus strand (A>C on the coding strand, the complement: MYH7 is on the minus strand). VCF-style: chr14-23425409-T-G. GRCh37 (hg19) VCF-style: chr14-23894618-T-G.
Other names: short protein forms K766Q.
Identifiers: ClinVar variation 42893 (VCV000042893.5), dbSNP rs397516141, ClinGen allele CA012101.

ClinVar aggregate classification (germline): Uncertain significance (1 of 4 stars; one submission).

Allele frequency attached by ClinVar (database versions not stated): gnomAD exomes below 0.00001.
gnomAD v4.1: 1 of 1,614,026 alleles (0.000062%); highest among the groups gnomAD compares: Non-Finnish European, 0.000085%; no homozygotes.

Submission:

Laboratory for Molecular Medicine, Mass General Brigham Personalized Medicine
Classification: Uncertain significance. Last evaluated: 2014-03-07. Review status: criteria provided, single submitter. Criteria: LMM Criteria. Collection method: clinical testing. Allele origin: germline. Observed: 1 variant allele.
Comment: proposed classification - variant undergoing re-assessment, contact laboratory